The following is an entry in ClinVar:

ClinVar aggregate classification (germline): Uncertain significance (1 of 4 stars; one submission).

Conditions:
Early Myoclonic Encephalopathy. Identifiers: MedGen C0270855.

Allele frequency attached by ClinVar (database versions not stated): TOPMed below 0.00001; gnomAD exomes 0.00001.
gnomAD v4.1: 19 of 1,613,258 alleles (0.0012%); highest among the groups gnomAD compares: East Asian, 0.0022%; no homozygotes.

Submission:

Labcorp Genetics (formerly Invitae), Labcorp
Classification: Uncertain significance for Early Myoclonic Encephalopathy. Last evaluated: 2023-12-21. Review status: criteria provided, single submitter. Criteria: Invitae Variant Classification Sherloc (09022015). Collection method: clinical testing. Allele origin: germline.
Comment: This sequence change replaces alanine, which is neutral and non-polar, with threonine, which is neutral and polar, at codon 441 of the KCND2 protein (p.Ala441Thr). This variant is present in population databases (no rsID available, gnomAD 0.006%). This variant has not been reported in the literature in individuals affected with KCND2-related conditions. ClinVar contains an entry for this variant (Variation ID: 575507). Advanced modeling of protein sequence and biophysical properties (such as structural, functional, and spatial information, amino acid conservation, physicochemical variation, residue mobility, and thermodynamic stability) performed at Invitae indicates that this missense variant is not expected to disrupt KCND2 protein function with a negative predictive value of 80%. In summary, the available evidence is currently insufficient to determine the role of this variant in disease. Therefore, it has been classified as a Variant of Uncertain Significance.

NM_012281.3(KCND2):c.1321G>A (p.Ala441Thr)

Gene: KCND2 (potassium voltage-gated channel subfamily D member 2; plus strand). Cytogenetic location: 7q31.31.
Variant type: single nucleotide variant.
Coding change: c.1321G>A on transcript NM_012281.3 (MANE Select); coding-DNA position 1321, G replaced by A.
Protein change: p.Ala441Thr; replaces alanine 441 with threonine.
Molecular consequence: missense variant.
Genome position (GRCh38, 1-based): chr7:120,741,576, G>A. VCF-style: chr7-120741576-G-A. GRCh37 (hg19) VCF-style: chr7-120381630-G-A.
Other names: short protein forms A441T.
Identifiers: ClinVar variation 575507 (VCV000575507.9), dbSNP rs1417852990, ClinGen allele CA369134431.
Genomic context (GRCh38, chr7:120,741,576, plus strand): 5'-TTATTTTTTCTCCTATAGAAAGCTAGACTGGCCAGGATCCGGGCAGCCAAAAGCGGAAGC[G>A]CAAATGCTTACATGCAGAGCAAACGGAATGGTTTACTCAGTAATCAGCTGCAGGTACAAT-3'
Protein context (NP_036413.1, residues 431-451): ARIRAAKSGS[Ala441Thr]NAYMQSKRNG